The following is an entry in ClinVar:

NM_020975.6(RET):c.1961C>T (p.Ala654Val)

Gene: RET (ret proto-oncogene; plus strand). Cytogenetic location: 10q11.21.
Variant type: single nucleotide variant.
Coding change: c.1961C>T on transcript NM_020975.6 (MANE Select); coding-DNA position 1961, C replaced by T.
Protein change: p.Ala654Val; replaces alanine 654 with valine.
Molecular consequence: missense variant. On other transcripts: intron variant (4).
Genome position (GRCh38, 1-based): chr10:43,114,561, C>T. VCF-style: chr10-43114561-C-T. GRCh37 (hg19) VCF-style: chr10-43610009-C-T.
Other names: c.1961C>T, p.Ala654Val (NM_000323.2, NM_001406743.1, NM_001406744.1 and 4 more transcripts); c.1199C>T, p.Ala400Val (NM_001355216.2); c.1832C>T, p.Ala611Val (NM_001406761.1, NM_001406762.1, NM_001406764.1); c.1673C>T, p.Ala558Val (NM_001406766.1, NM_001406767.1, NM_001406770.1); c.1565C>T, p.Ala522Val (NM_001406769.1, NM_001406772.1); c.1523C>T, p.Ala508Val (NM_001406771.1, NM_001406773.1); c.1436C>T, p.Ala479Val (NM_001406774.1); c.1235C>T, p.Ala412Val (NM_001406775.1, NM_001406776.1, NM_001406777.1 and 1 more transcripts); and 10 more; short protein forms A259V, A611V, A355V, A400V, A412V, A508V, A558V, A219V.
Identifiers: ClinVar variation 2900346 (VCV002900346.3), dbSNP rs1266281603, ClinGen allele CA376553019.

ClinVar aggregate classification (germline): Uncertain significance. Review status: criteria provided, multiple submitters, no conflicts (2 of 4 stars). 2 submissions from 2 submitters: Uncertain significance (2). Last evaluated 2025-10-13.

Conditions:
Hereditary cancer-predisposing syndrome. Also called: Hereditary Cancer Syndrome; Hereditary neoplastic syndrome; Tumor predisposition; Neoplastic Syndromes, Hereditary. Identifiers: Orphanet 140162, MedGen C0027672, MeSH D009386, MONDO:0015356.
Multiple endocrine neoplasia, type 2 (MEN2). Identifiers: Orphanet 653, MedGen C4048306, MONDO:0019003. Disease mechanism: gain of function.

Allele frequency attached by ClinVar (database versions not stated): gnomAD exomes below 0.00001.
gnomAD v4.1: 2 of 1,611,914 alleles (0.00012%); highest among the groups gnomAD compares: East Asian, 0.0045%; no homozygotes.

Submissions (2):

Labcorp Genetics (formerly Invitae), Labcorp
Classification: Uncertain significance for Multiple endocrine neoplasia, type 2. Last evaluated: 2025-10-13. Review status: criteria provided, single submitter. Criteria: Invitae Variant Classification Sherloc (09022015). Collection method: clinical testing. Allele origin: germline.
Comment: This sequence change replaces alanine, which is neutral and non-polar, with valine, which is neutral and non-polar, at codon 654 of the RET protein (p.Ala654Val). This variant is not present in population databases (gnomAD no frequency). This variant has not been reported in the literature in individuals affected with RET-related conditions. ClinVar contains an entry for this variant (Variation ID: 2900346). An algorithm developed to predict the effect of missense changes on protein structure and function (PolyPhen-2) suggests that this variant is likely to be tolerated. In summary, the available evidence is currently insufficient to determine the role of this variant in disease. Therefore, it has been classified as a Variant of Uncertain Significance.

Ambry Genetics
Classification: Uncertain significance for Hereditary cancer-predisposing syndrome. Last evaluated: 2023-10-05. Review status: criteria provided, single submitter. Criteria: Ambry Variant Classification Scheme 2023. Collection method: clinical testing. Allele origin: germline.
Comment: The p.A654V variant (also known as c.1961C>T), located in coding exon 11 of the RET gene, results from a C to T substitution at nucleotide position 1961. The alanine at codon 654 is replaced by valine, an amino acid with similar properties. This amino acid position is poorly conserved in available vertebrate species. In addition, the in silico prediction for this alteration is inconclusive. Since supporting evidence is limited at this time, the clinical significance of this alteration remains unclear.